The following is an entry in ClinVar:

NM_152515.5(CKAP2L):c.375A>G (p.Glu125=)

Gene: CKAP2L (cytoskeleton associated protein 2L; minus strand). Cytogenetic location: 2q14.1.
Variant type: single nucleotide variant.
Coding change: c.375A>G on transcript NM_152515.5 (MANE Select); coding-DNA position 375, A replaced by G.
Protein change: p.Glu125=; no amino-acid change (glutamic acid 125 retained).
Molecular consequence: synonymous variant. On other transcripts: 5 prime UTR variant (1), non-coding transcript variant (1).
Genome position (GRCh38, 1-based): chr2:112,756,996, T>C on the plus strand (A>G on the coding strand, the complement: CKAP2L is on the minus strand). VCF-style: chr2-112756996-T-C. GRCh37 (hg19) VCF-style: chr2-113514573-T-C.
Other names: c.-121A>G (NM_001304361.2).
Identifiers: ClinVar variation 2651286 (VCV002651286.24), dbSNP rs1213558473, ClinGen allele CA428554395.

ClinVar aggregate classification (germline): Likely benign (1 of 4 stars; one submission).

Allele frequency attached by ClinVar (database versions not stated): TOPMed below 0.00001.

Submission:

CeGaT Center for Human Genetics Tuebingen
Classification: Likely benign. Last evaluated: 2023-06-01. Review status: criteria provided, single submitter. Criteria: CeGaT Center For Human Genetics Tuebingen Variant Classification Criteria Version 2. Collection method: clinical testing. Allele origin: germline. Affected: yes. Observed: 1 variant allele.
Comment: CKAP2L: PM2:Supporting, BP4, BP7